The following is an entry in ClinVar:

NM_001379500.1(COL18A1):c.940C>G (p.Pro314Ala)

Gene: COL18A1 (collagen type XVIII alpha 1 chain; plus strand). Cytogenetic location: 21q22.3.
Variant type: single nucleotide variant.
Coding change: c.940C>G on transcript NM_001379500.1 (MANE Select); coding-DNA position 940, C replaced by G.
Protein change: p.Pro314Ala; replaces proline 314 with alanine.
Molecular consequence: missense variant.
Genome position (GRCh38, 1-based): chr21:45,477,422, C>G. VCF-style: chr21-45477422-C-G. GRCh37 (hg19) VCF-style: chr21-46897336-C-G.
Other names: c.1480C>G, p.Pro494Ala (NM_030582.4); c.2185C>G, p.Pro729Ala (NM_130444.3); short protein forms P314A, P729A, P494A.
Identifiers: ClinVar variation 1477022 (VCV001477022.6), dbSNP rs1407798036, ClinGen allele CA410514859.

ClinVar aggregate classification (germline): Uncertain significance (1 of 4 stars; one submission).

Allele frequency attached by ClinVar (database versions not stated): gnomAD exomes below 0.00001.
gnomAD v4.1: 1 of 1,612,958 alleles (0.000062%); highest among the groups gnomAD compares: Non-Finnish European, 0.000085%; no homozygotes.

Submission:

Labcorp Genetics (formerly Invitae), Labcorp
Classification: Uncertain significance. Last evaluated: 2022-08-09. Review status: criteria provided, single submitter. Criteria: Invitae Variant Classification Sherloc (09022015). Collection method: clinical testing. Allele origin: germline.
Comment: ClinVar contains an entry for this variant (Variation ID: 1477022). In summary, the available evidence is currently insufficient to determine the role of this variant in disease. Therefore, it has been classified as a Variant of Uncertain Significance. Experimental studies and prediction algorithms are not available or were not evaluated, and the functional significance of this variant is currently unknown. This variant has not been reported in the literature in individuals affected with COL18A1-related conditions. This variant is not present in population databases (gnomAD no frequency). This sequence change replaces proline with alanine at codon 314 of the COL18A1 protein (p.Pro314Ala). There is a small physicochemical difference between proline and alanine.